The following is an entry in ClinVar:

NM_001271696.3(ABCB7):c.85C>T (p.Arg29Trp)

Genes: ABCB7 (ATP binding cassette subfamily B member 7; minus strand), LOC130068449 (ATAC-STARR-seq lymphoblastoid active region 29770; plus strand). Cytogenetic location: Xq13.3.
Variant type: single nucleotide variant.
Coding change: c.85C>T on transcript NM_001271696.3 (MANE Select); coding-DNA position 85, C replaced by T.
Protein change: p.Arg29Trp; replaces arginine 29 with tryptophan.
Molecular consequence: missense variant.
Genome position (GRCh38, 1-based): chrX:75,156,188, G>A on the plus strand (C>T on the coding strand, the complement: ABCB7 is on the minus strand). VCF-style: chrX-75156188-G-A. GRCh37 (hg19) VCF-style: chrX-74376023-G-A.
Other names: c.85C>T, p.Arg29Trp (NM_001271698.3, NM_001271699.3, NM_004299.6 and 1 more transcripts); short protein forms R29W.
Identifiers: ClinVar variation 1311902 (VCV001311902.2), dbSNP rs1012910077, ClinGen allele CA331336982.

ClinVar aggregate classification (germline): Uncertain significance (1 of 4 stars; one submission).

Allele frequency attached by ClinVar (database versions not stated): gnomAD exomes below 0.00001; gnomAD 0.00002; TOPMed 0.00002.

Submission:

GeneDx
Classification: Uncertain significance. Last evaluated: 2020-02-11. Review status: criteria provided, single submitter. Criteria: GeneDx Variant Classification Process June 2021. Collection method: clinical testing. Allele origin: germline. Affected: yes.
Comment: Has not been previously published as pathogenic or benign to our knowledge; In silico analysis supports that this missense variant has a deleterious effect on protein structure/function